The following is an entry in ClinVar:

ClinVar aggregate classification (germline): Likely benign. Review status: criteria provided, multiple submitters, no conflicts (2 of 4 stars). 3 submissions from 3 submitters: Likely benign (3). Last evaluated 2024-12-04.

Conditions:
PXDN-related disorder. Also called: PXDN-related condition.

Allele frequency attached by ClinVar (database versions not stated): gnomAD 0.00004 and 0.00005; ESP Exome Variant Server 0.00008; 1000 Genomes Project 0.00020; ExAC 0.00022; gnomAD exomes 0.00006; TOPMed 0.00007; 1000 Genomes Project 30x 0.00031.

Submissions (3):

PreventionGenetics, part of Exact Sciences
Classification: Likely benign for PXDN-related condition. Last evaluated: 2024-12-04. Review status: criteria provided, single submitter. Criteria: ACMG Guidelines, 2015. Collection method: clinical testing. Allele origin: germline.
Comment: This variant is classified as likely benign based on ACMG/AMP sequence variant interpretation guidelines (Richards et al. 2015 PMID: 25741868, with internal and published modifications).

CeGaT Center for Human Genetics Tuebingen
Classification: Likely benign. Last evaluated: 2023-02-01. Review status: criteria provided, single submitter. Criteria: CeGaT Center For Human Genetics Tuebingen Variant Classification Criteria Version 2. Collection method: clinical testing. Allele origin: germline. Affected: yes. Observed: 1 variant allele.
Comment: PXDN: BP4, BP7

Labcorp Genetics (formerly Invitae), Labcorp
Classification: Likely benign. Last evaluated: 2018-07-17. Review status: criteria provided, single submitter. Criteria: Invitae Variant Classification Sherloc (09022015). Collection method: clinical testing. Allele origin: germline.

NM_012293.3(PXDN):c.474G>A (p.Pro158=)

Gene: PXDN (peroxidasin; minus strand). Cytogenetic location: 2p25.3.
Variant type: single nucleotide variant.
Coding change: c.474G>A on transcript NM_012293.3 (MANE Select); coding-DNA position 474, G replaced by A.
Protein change: p.Pro158=; no amino-acid change (proline 158 retained).
Molecular consequence: synonymous variant.
Genome position (GRCh38, 1-based): chr2:1,684,094, C>T on the plus strand (G>A on the coding strand, the complement: PXDN is on the minus strand). VCF-style: chr2-1684094-C-T. GRCh37 (hg19) VCF-style: chr2-1687866-C-T.
Identifiers: ClinVar variation 752184 (VCV000752184.28), dbSNP rs371424352, ClinGen allele CA1513647.